The following is an entry in ClinVar:

ClinVar aggregate classification (germline): Uncertain significance (1 of 4 stars; one submission).

Conditions:
Bethlem myopathy 1A. Also called: MYOPATHY, BENIGN CONGENITAL, WITH CONTRACTURES; Bethlem myopathy 1; Bethlem Muscular Dystrophy. Identifiers: Orphanet 610, MedGen CN029274, MONDO:0024530, OMIM 158810.

gnomAD v4.1: 6 of 1,612,684 alleles (0.00037%); highest among the groups gnomAD compares: African/African-American, 0.0013%; no homozygotes.

Submission:

Labcorp Genetics (formerly Invitae), Labcorp
Classification: Uncertain significance for Bethlem myopathy 1A. Last evaluated: 2025-02-19. Review status: criteria provided, single submitter. Criteria: Invitae Variant Classification Sherloc (09022015). Collection method: clinical testing. Allele origin: germline.
Comment: This sequence change replaces glycine, which is neutral and non-polar, with serine, which is neutral and polar, at codon 475 of the COL6A2 protein (p.Gly475Ser). This variant is present in population databases (rs200301396, gnomAD 0.004%). This variant has not been reported in the literature in individuals affected with COL6A2-related conditions. Invitae Evidence Modeling of protein sequence and biophysical properties (such as structural, functional, and spatial information, amino acid conservation, physicochemical variation, residue mobility, and thermodynamic stability) indicates that this missense variant is expected to disrupt COL6A2 protein function with a positive predictive value of 80%. This variant disrupts the triple helix domain of COL6A2. Glycine residues within the Gly-Xaa-Yaa repeats of the triple helix domain are required for the structure and stability of fibrillar collagens (PMID: 7695699, 8218237, 19344236). In COL6A2, missense variants at these glycine residues are significantly enriched in individuals with autosomal dominant disease (PMID: 15689448, 24038877) compared to the general population (ExAC). In summary, the available evidence is currently insufficient to determine the role of this variant in disease. Therefore, it has been classified as a Variant of Uncertain Significance.

Literature cited by the submitters: PubMed 7695699; PubMed 8218237; PubMed 19344236; PubMed 15689448; PubMed 24038877.

NM_001849.4(COL6A2):c.1423G>A (p.Gly475Ser)

Gene: COL6A2 (collagen type VI alpha 2 chain; plus strand). Cytogenetic location: 21q22.3.
Variant type: single nucleotide variant.
Coding change: c.1423G>A on transcript NM_001849.4 (MANE Select); coding-DNA position 1423, G replaced by A.
Protein change: p.Gly475Ser; replaces glycine 475 with serine.
Molecular consequence: missense variant.
Genome position (GRCh38, 1-based): chr21:46,121,088, G>A. VCF-style: chr21-46121088-G-A. GRCh37 (hg19) VCF-style: chr21-47541002-G-A.
Other names: c.1423G>A, p.Gly475Ser (NM_058174.3, NM_058175.3); short protein forms G475S.
Identifiers: ClinVar variation 4737300 (VCV004737300.1).